The following is an entry in ClinVar:

ClinVar aggregate classification (germline): Uncertain significance (1 of 4 stars; one submission).

Submission:

GeneDx
Classification: Uncertain significance. Last evaluated: 2021-11-08. Review status: criteria provided, single submitter. Criteria: GeneDx Variant Classification Process June 2021. Collection method: clinical testing. Allele origin: germline. Affected: yes.
Comment: Not observed in large population cohorts (Lek et al., 2016); In silico analysis supports that this missense variant does not alter protein structure/function; Has not been previously published as pathogenic or benign to our knowledge

NM_015346.4(ZFYVE26):c.6001C>T (p.Leu2001Phe)

Gene: ZFYVE26 (zinc finger FYVE-type containing 26; minus strand). Cytogenetic location: 14q24.1.
Variant type: single nucleotide variant.
Coding change: c.6001C>T on transcript NM_015346.4 (MANE Select); coding-DNA position 6001, C replaced by T.
Protein change: p.Leu2001Phe; replaces leucine 2001 with phenylalanine.
Molecular consequence: missense variant.
Genome position (GRCh38, 1-based): chr14:67,766,237, G>A on the plus strand (C>T on the coding strand, the complement: ZFYVE26 is on the minus strand). VCF-style: chr14-67766237-G-A. GRCh37 (hg19) VCF-style: chr14-68232954-G-A.
Other names: short protein forms L2001F.
Identifiers: ClinVar variation 1321620 (VCV001321620.2), dbSNP rs2140199238, ClinGen allele CA390165574.